The following is an entry in ClinVar:

NM_007294.4(BRCA1):c.81-2559A>G

Gene: BRCA1 (BRCA1 DNA repair associated; minus strand). Cytogenetic location: 17q21.31.
Variant type: single nucleotide variant.
Coding change: c.81-2559A>G on transcript NM_007294.4 (MANE Select); 2559 bases into the intron before coding-DNA position 81, A replaced by G.
Molecular consequence: intron variant.
Genome position (GRCh38, 1-based): chr17:43,118,338, T>C on the plus strand (A>G on the coding strand, the complement: BRCA1 is on the minus strand). VCF-style: chr17-43118338-T-C. GRCh37 (hg19) VCF-style: chr17-41270355-T-C.
Other names: IVS 2-2559A>G; c.81-2559A>G (NM_001407680.1, NM_001407664.1, NM_001407648.1 and 191 more transcripts); c.-339-2559A>G (NM_001407965.1); c.-177-2559A>G (NM_001407930.1, NM_001407843.1, NM_001408456.1 and 12 more transcripts); c.-181-2559A>G (NM_001408465.1, NM_001407695.1); c.-109+783A>G (NM_001408482.1); c.-62+783A>G (NM_001407920.1, NM_001407697.1, NM_001407846.1); c.-178+783A>G (NM_001407696.1); and 15 more.
Identifiers: ClinVar variation 209548 (VCV000209548.2), dbSNP rs9895855, ClinGen allele CA276517.

ClinVar aggregate classification (germline): Benign (3 of 4 stars; one submission).

Conditions:
Breast-ovarian cancer, familial, susceptibility to, 1 (BROVCA1). Also called: BRCA1 Hereditary Breast and Ovarian Cancer; OVARIAN CANCER, SUSCEPTIBILITY TO. Identifiers: Orphanet 145, MedGen C2676676, MONDO:0011450, OMIM 604370. Disease mechanism: loss of function.

Allele frequency attached by ClinVar (database versions not stated): gnomAD 0.01280 and 0.01352; TOPMed 0.01507; 1000 Genomes Project 0.01597; 1000 Genomes Project 30x 0.01624.
gnomAD v4.1: 1,931 of 152,194 alleles (1.3%); highest among the groups gnomAD compares: African/African-American, 4.3%; 34 homozygotes.

Submission:

Evidence-based Network for the Interpretation of Germline Mutant Alleles (ENIGMA)
Classification: Benign for Breast-ovarian cancer, familial 1. Last evaluated: 2015-01-12. Review status: reviewed by expert panel. Criteria: ENIGMA BRCA1/2 Classification Criteria (2015). Collection method: curation. Allele origin: germline.
Comment: Class 1 not pathogenic based on frequency >1% in an outbred sampleset. Frequency 0.03455 (African), derived from 1000 genomes (2012-04-30).